The following is an entry in ClinVar:

NM_000051.4(ATM):c.3287T>C (p.Leu1096Ser)

Gene: ATM (ATM serine/threonine kinase; plus strand). Cytogenetic location: 11q22.3.
Variant type: single nucleotide variant.
Coding change: c.3287T>C on transcript NM_000051.4 (MANE Select); coding-DNA position 3287, T replaced by C.
Protein change: p.Leu1096Ser; replaces leucine 1096 with serine.
Molecular consequence: missense variant.
Genome position (GRCh38, 1-based): chr11:108,279,493, T>C. VCF-style: chr11-108279493-T-C. GRCh37 (hg19) VCF-style: chr11-108150220-T-C.
Other names: c.3287T>C, p.Leu1096Ser (NM_001351834.2); short protein forms L1096S.
Identifiers: ClinVar variation 941834 (VCV000941834.15), dbSNP rs2082114508, ClinGen allele CA382517250.
Genomic context (GRCh38, chr11:108,279,493, plus strand): 5'-GTTTGAAATTAGAAAATTATTTCACTTTTTGTTTGTTTGTTTGCTTGCTTGTTTTAAGAT[T>C]GTTCCAGGACACGAAGGGAGATTCTTCCAGGTTACTGAAAGCACTTCCTTTGAAGCTTCA-3'
Protein context (NP_000042.3, residues 1086-1106): RMLAAESINR[Leu1096Ser]FQDTKGDSSR

ClinVar aggregate classification (germline): Uncertain significance. Review status: criteria provided, single submitter (1 of 4 stars). 2 submissions from 2 submitters: Uncertain significance (1). 1 of the submissions does not count toward it. Last evaluated 2022-03-31.

Conditions:
Ataxia-telangiectasia syndrome (AT). Also called: Cerebello-oculocutaneous telangiectasia; Immunodeficiency with ataxia telangiectasia; LOUIS-BAR SYNDROME; AT, COMPLEMENTATION GROUP C; ATAXIA-TELANGIECTASIA, COMPLEMENTATION GROUP A; ATAXIA-TELANGIECTASIA, FRESNO VARIANT. Identifiers: Orphanet 100, MedGen C0004135, MONDO:0008840, OMIM 208900.

Submissions (2):

Labcorp Genetics (formerly Invitae), Labcorp
Classification: Uncertain significance for Ataxia-telangiectasia syndrome. Last evaluated: 2022-03-31. Review status: criteria provided, single submitter. Criteria: Invitae Variant Classification Sherloc (09022015). Collection method: clinical testing. Allele origin: germline.
Comment: In summary, the available evidence is currently insufficient to determine the role of this variant in disease. Therefore, it has been classified as a Variant of Uncertain Significance. Algorithms developed to predict the effect of missense changes on protein structure and function (SIFT, PolyPhen-2, Align-GVGD) all suggest that this variant is likely to be disruptive. ClinVar contains an entry for this variant (Variation ID: 941834). This variant has not been reported in the literature in individuals affected with ATM-related conditions. This variant is not present in population databases (gnomAD no frequency). This sequence change replaces leucine, which is neutral and non-polar, with serine, which is neutral and polar, at codon 1096 of the ATM protein (p.Leu1096Ser).

Natera, Inc.
Classification: Uncertain significance for Ataxia-telangiectasia. Last evaluated: 2021-08-16. Review status: no assertion criteria provided. Collection method: clinical testing. Allele origin: germline. Not counted in ClinVar's aggregate classification.